The following is an entry in ClinVar:

NM_002474.3(MYH11):c.5700C>T (p.Arg1900=)

Genes: NDE1 (nudE neurodevelopment protein 1; plus strand), MYH11 (myosin heavy chain 11; minus strand). Cytogenetic location: 16p13.11.
Variant type: single nucleotide variant.
Coding change: c.5700C>T on transcript NM_002474.3 (MANE Select); coding-DNA position 5700, C replaced by T.
Protein change: p.Arg1900=; no amino-acid change (arginine 1900 retained).
Molecular consequence: synonymous variant. On other transcripts: intron variant (2).
Genome position (GRCh38, 1-based): chr16:15,714,995, G>A on the plus strand (C>T on the coding strand, the complement: MYH11 is on the minus strand). VCF-style: chr16-15714995-G-A. GRCh37 (hg19) VCF-style: chr16-15808852-G-A.
Other names: c.5721C>T, p.Arg1907= (NM_001040113.2, NM_001040114.2); c.5700C>T, p.Arg1900= (NM_022844.3); c.948-9196G>A (NM_001143979.2, NM_017668.3).
Identifiers: ClinVar variation 2960733 (VCV002960733.4), dbSNP rs2510047822, ClinGen allele CA493746213.

ClinVar aggregate classification (germline): Conflicting classifications of pathogenicity. Review status: criteria provided, conflicting classifications (1 of 4 stars). 2 submissions from 2 submitters: Uncertain significance (1); Likely benign (1). Last evaluated 2023-08-15.

Conditions:
Familial thoracic aortic aneurysm and aortic dissection (TAAD). Also called: Thoracic aortic aneurysms and dissections. Identifiers: Orphanet 91387, MedGen C4707243, MONDO:0019625.
Aortic aneurysm, familial thoracic 4 (AAT4). Also called: AORTIC ANEURYSM/AORTIC DISSECTION AND PATENT DUCTUS ARTERIOSUS. Identifiers: MedGen C1851504, MONDO:0007568, OMIM 132900.

Submissions (2):

All of Us Research Program, National Institutes of Health
Classification: Uncertain significance for Familial thoracic aortic aneurysm and aortic dissection. Last evaluated: 2023-08-15. Review status: criteria provided, single submitter. Criteria: ACMG Guidelines, 2015. Collection method: clinical testing. Allele origin: germline. Inheritance: Autosomal dominant inheritance. Observed: 1 variant allele, 1 heterozygote.
Comment: This variant is located in the MYH11 protein. To our knowledge, functional studies have not been reported for this variant. This variant has not been reported in individuals affected with MYH11-related disorders in the literature. This variant has not been identified in the general population by the Genome Aggregation Database (gnomAD). The available evidence is insufficient to determine the role of this variant in disease conclusively. Therefore, this variant is classified as a Variant of Uncertain Significance.

This study involves interpretation of variants in research participants for the purpose of population health screening. Participant phenotype was not available at the time of variant classification. Additional details can be found in publication PMID: 35346344, PMCID: PMC8962531

Labcorp Genetics (formerly Invitae), Labcorp
Classification: Likely benign for Aortic aneurysm, familial thoracic 4. Last evaluated: 2023-07-21. Review status: criteria provided, single submitter. Criteria: Invitae Variant Classification Sherloc (09022015). Collection method: clinical testing. Allele origin: germline.